The following is an entry in ClinVar:

ClinVar aggregate classification (germline): Uncertain significance (1 of 4 stars; one submission).

Conditions:
Gorlin syndrome. Also called: Basal cell nevus syndrome; Nevoid Basal Cell Carcinoma Syndrome. Identifiers: Orphanet 377, MedGen C0004779, MONDO:0007187.

gnomAD v4.1: 1 of 1,614,042 alleles (0.000062%); highest among the groups gnomAD compares: Non-Finnish European, 0.000085%; no homozygotes.

Submission:

Labcorp Genetics (formerly Invitae), Labcorp
Classification: Uncertain significance for Gorlin syndrome. Last evaluated: 2021-07-17. Review status: criteria provided, single submitter. Criteria: Invitae Variant Classification Sherloc (09022015). Collection method: clinical testing. Allele origin: germline.
Comment: In summary, the available evidence is currently insufficient to determine the role of this variant in disease. Therefore, it has been classified as a Variant of Uncertain Significance. Algorithms developed to predict the effect of missense changes on protein structure and function are either unavailable or do not agree on the potential impact of this missense change (SIFT: "Tolerated"; PolyPhen-2: "Probably Damaging"; Align-GVGD: "Class C0"). This variant has not been reported in the literature in individuals affected with PTCH2-related conditions. This variant is not present in population databases (ExAC no frequency). This sequence change replaces leucine with methionine at codon 759 of the PTCH2 protein (p.Leu759Met). The leucine residue is moderately conserved and there is a small physicochemical difference between leucine and methionine.

NM_003738.5(PTCH2):c.2275C>A (p.Leu759Met)

Gene: PTCH2 (patched 2; minus strand). Cytogenetic location: 1p34.1.
Variant type: single nucleotide variant.
Coding change: c.2275C>A on transcript NM_003738.5 (MANE Select); coding-DNA position 2275, C replaced by A.
Protein change: p.Leu759Met; replaces leucine 759 with methionine.
Molecular consequence: missense variant.
Genome position (GRCh38, 1-based): chr1:44,827,498, G>T on the plus strand (C>A on the coding strand, the complement: PTCH2 is on the minus strand). VCF-style: chr1-44827498-G-T. GRCh37 (hg19) VCF-style: chr1-45293170-G-T.
Other names: c.2275C>A, p.Leu759Met (NM_001166292.2); short protein forms L759M.
Identifiers: ClinVar variation 1448270 (VCV001448270.8), dbSNP rs2148875383, ClinGen allele CA340096424.